The following is an entry in ClinVar:

ClinVar aggregate classification (germline): Uncertain significance. Review status: criteria provided, multiple submitters, no conflicts (2 of 4 stars). 3 submissions from 3 submitters: Uncertain significance (2). 1 of the submissions does not count toward it. Last evaluated 2025-10-26.

Conditions:
Pulmonary fibrosis and/or bone marrow failure, Telomere-related, 3. Also called: PULMONARY FIBROSIS AND/OR BONE MARROW FAILURE SYNDROME, TELOMERE-RELATED, 3. Identifiers: Orphanet 2032, MedGen C4225346, MONDO:0014613, OMIM 616373.
Dyskeratosis congenita, autosomal recessive 5 (DKCB5). Identifiers: MedGen C3554656, MONDO:0014076, OMIM 615190.
Inborn genetic diseases. Identifiers: MedGen C0950123, MeSH D030342.
Dyskeratosis congenita. Identifiers: Orphanet 1775, MedGen C0265965, MONDO:0015780.

Allele frequency attached by ClinVar (database versions not stated): TOPMed below 0.00001; gnomAD 0.00001.
gnomAD v4.1: 7 of 1,604,880 alleles (0.00044%); highest among the groups gnomAD compares: African/African-American, 0.0027%; no homozygotes.

Submissions (3):

Labcorp Genetics (formerly Invitae), Labcorp
Classification: Uncertain significance for Dyskeratosis congenita, autosomal recessive 5; Pulmonary fibrosis and/or bone marrow failure, Telomere-related, 3. Last evaluated: 2025-10-26. Review status: criteria provided, single submitter. Criteria: Invitae Variant Classification Sherloc (09022015). Collection method: clinical testing. Allele origin: germline.
Comment: This sequence change replaces arginine, which is basic and polar, with cysteine, which is neutral and slightly polar, at codon 473 of the RTEL1 protein (p.Arg473Cys). This variant is not present in population databases (gnomAD no frequency). This variant has not been reported in the literature in individuals affected with RTEL1-related conditions. ClinVar contains an entry for this variant (Variation ID: 1026561). An algorithm developed to predict the effect of missense changes on protein structure and function (PolyPhen-2) suggests that this variant is likely to be disruptive. In summary, the available evidence is currently insufficient to determine the role of this variant in disease. Therefore, it has been classified as a Variant of Uncertain Significance.

Ambry Genetics
Classification: Uncertain significance for Inborn genetic diseases. Last evaluated: 2024-12-16. Review status: criteria provided, single submitter. Criteria: Ambry Variant Classification Scheme 2023. Collection method: clinical testing. Allele origin: germline.
Comment: The p.R473C variant (also known as c.1417C>T), located in coding exon 16 of the RTEL1 gene, results from a C to T substitution at nucleotide position 1417. The arginine at codon 473 is replaced by cysteine, an amino acid with highly dissimilar properties. This amino acid position is conserved. In addition, this alteration is predicted to be deleterious by in silico analysis. Based on the available evidence, the clinical significance of this variant remains unclear.

Natera, Inc.
Classification: Uncertain significance for Dyskeratosis congenita. Last evaluated: 2021-06-23. Review status: no assertion criteria provided. Collection method: clinical testing. Allele origin: germline. Not counted in ClinVar's aggregate classification.

NM_001283009.2(RTEL1):c.1417C>T (p.Arg473Cys)

Genes: RTEL1 (regulator of telomere elongation helicase 1; plus strand), RTEL1-TNFRSF6B (RTEL1-TNFRSF6B readthrough (NMD candidate); plus strand). Cytogenetic location: 20q13.33.
Variant type: single nucleotide variant.
Coding change: c.1417C>T on transcript NM_001283009.2 (MANE Select); coding-DNA position 1417, C replaced by T.
Protein change: p.Arg473Cys; replaces arginine 473 with cysteine.
Molecular consequence: missense variant. On other transcripts: non-coding transcript variant (1).
Genome position (GRCh38, 1-based): chr20:63,687,706, C>T. VCF-style: chr20-63687706-C-T. GRCh37 (hg19) VCF-style: chr20-62319059-C-T.
Other names: c.748C>T, p.Arg250Cys (NM_001283010.1); c.1417C>T, p.Arg473Cys (NM_016434.4); c.1489C>T, p.Arg497Cys (NM_032957.5); short protein forms R250C, R473C, R497C.
Identifiers: ClinVar variation 1026561 (VCV001026561.5), dbSNP rs1409999749, ClinGen allele CA409676290.
Genomic context (GRCh38, chr20:63,687,706, plus strand): 5'-CTGAGCTACTGGTGCTTCAGTCCCGGCCACAGCATGCACGAGCTGGTCCGCCAGGGCGTC[C>T]GCTCCCTCATCCTTACCAGCGGCACGCTGGCCCCGGTGTCCTCCTTTGCTCTGGAGATGC-3'
Protein context (NP_001269938.1, residues 463-483): SMHELVRQGV[Arg473Cys]SLILTSGTLA